The following is an entry in ClinVar:

ClinVar aggregate classification (germline): Uncertain significance (1 of 4 stars; one submission).

Conditions:
Epileptic encephalopathy. Identifiers: MedGen C0543888, HP:0200134.

gnomAD v4.1: 3 of 1,591,666 alleles (0.00019%); highest among the groups gnomAD compares: African/African-American, 0.0013%; no homozygotes.

Submission:

Labcorp Genetics (formerly Invitae), Labcorp
Classification: Uncertain significance for Epileptic encephalopathy. Last evaluated: 2020-09-20. Review status: criteria provided, single submitter. Criteria: Invitae Variant Classification Sherloc (09022015). Collection method: clinical testing. Allele origin: germline.
Comment: In summary, the available evidence is currently insufficient to determine the role of this variant in disease. Therefore, it has been classified as a Variant of Uncertain Significance. Algorithms developed to predict the effect of missense changes on protein structure and function do not agree on the potential impact of this missense change (SIFT: "Deleterious"; PolyPhen-2: "Benign"; Align-GVGD: "Class C25"). This variant has not been reported in the literature in individuals with RYR3-related disease. This variant is not present in population databases (ExAC no frequency). This sequence change replaces valine with alanine at codon 1909 of the RYR3 protein (p.Val1909Ala). The valine residue is moderately conserved and there is a small physicochemical difference between valine and alanine.

NM_001036.6(RYR3):c.5726T>C (p.Val1909Ala)

Gene: RYR3 (ryanodine receptor 3; plus strand). Cytogenetic location: 15q14.
Variant type: single nucleotide variant.
Coding change: c.5726T>C on transcript NM_001036.6 (MANE Select); coding-DNA position 5726, T replaced by C.
Protein change: p.Val1909Ala; replaces valine 1909 with alanine.
Molecular consequence: missense variant.
Genome position (GRCh38, 1-based): chr15:33,670,422, T>C. VCF-style: chr15-33670422-T-C. GRCh37 (hg19) VCF-style: chr15-33962623-T-C.
Other names: c.5726T>C, p.Val1909Ala (NM_001243996.4); short protein forms V1909A.
Identifiers: ClinVar variation 655195 (VCV000655195.8), dbSNP rs759190039, ClinGen allele CA391577542.